The following is an entry in ClinVar:

ClinVar aggregate classification (germline): Likely benign. Review status: criteria provided, multiple submitters, no conflicts (2 of 4 stars). 2 submissions from 2 submitters: Likely benign (2). Last evaluated 2026-01-13.

Conditions:
IGHMBP2-related disorder. Also called: IGHMBP2-related condition; IGHMBP2-related disorders.
Charcot-Marie-Tooth disease axonal type 2S. Also called: CHARCOT-MARIE-TOOTH NEUROPATHY, TYPE 2S; CHARCOT-MARIE-TOOTH DISEASE, AXONAL, AUTOSOMAL RECESSIVE, TYPE 2S. Identifiers: Orphanet 443073, MedGen C4015349, MONDO:0014511, OMIM 616155.
Autosomal recessive distal spinal muscular atrophy 1. Also called: NEURONOPATHY, DISTAL HEREDITARY MOTOR, HARDING TYPE VI; NEUROPATHY, DISTAL HEREDITARY MOTOR, AUTOSOMAL RECESSIVE 1; HMN VI; NEURONOPATHY, SEVERE INFANTILE AXONAL, WITH RESPIRATORY FAILURE; SEVERE INFANTILE AXONAL NEUROPATHY WITH RESPIRATORY FAILURE; Spinal muscular atrophy with respiratory distress 1. Identifiers: Orphanet 98920, MedGen C1858517, MONDO:0011436, OMIM 604320.

Allele frequency attached by ClinVar (database versions not stated): gnomAD exomes 0.00002 and 0.00004; TOPMed 0.00002; gnomAD 0.00004 and 0.00005; ExAC 0.00006; 1000 Genomes Project 30x 0.00016; 1000 Genomes Project 0.00020.
gnomAD v4.1: 44 of 1,613,054 alleles (0.0027%); highest among the groups gnomAD compares: Middle Eastern, 0.049%; no homozygotes.

Submissions (2):

PreventionGenetics, part of Exact Sciences
Classification: Likely benign for IGHMBP2-related condition. Last evaluated: 2026-01-13. Review status: criteria provided, single submitter. Criteria: ACMG Guidelines, 2015. Collection method: clinical testing. Allele origin: germline.
Comment: This variant is classified as likely benign based on ACMG/AMP sequence variant interpretation guidelines (Richards et al. 2015 PMID: 25741868, with internal and published modifications).

Labcorp Genetics (formerly Invitae), Labcorp
Classification: Likely benign for Autosomal recessive distal spinal muscular atrophy 1; Charcot-Marie-Tooth disease axonal type 2S. Last evaluated: 2025-05-18. Review status: criteria provided, single submitter. Criteria: Invitae Variant Classification Sherloc (09022015). Collection method: clinical testing. Allele origin: germline.

NM_002180.3(IGHMBP2):c.1293C>T (p.Gly431=)

Gene: IGHMBP2 (immunoglobulin mu DNA binding protein 2; plus strand). Cytogenetic location: 11q13.3.
Variant type: single nucleotide variant.
Coding change: c.1293C>T on transcript NM_002180.3 (MANE Select); coding-DNA position 1293, C replaced by T.
Protein change: p.Gly431=; no amino-acid change (glycine 431 retained).
Molecular consequence: synonymous variant.
Genome position (GRCh38, 1-based): chr11:68,933,356, C>T. VCF-style: chr11-68933356-C-T. GRCh37 (hg19) VCF-style: chr11-68700824-C-T.
Identifiers: ClinVar variation 648842 (VCV000648842.12), dbSNP rs377460631, ClinGen allele CA6153594.
Genomic context (GRCh38, chr11:68,933,356, plus strand): 5'-CAGGGCTGCGCTGGCAGGACTGTCACTCAGCCTGATGGAACGCCTGGCTGAGGAGTACGG[C>T]GCGAGGGTGGTGCGGACACTGACGGTGCAGTACCGCATGCACCAGGCTATCATGCGCTGG-3'
Protein context (NP_002171.2, residues 421-441): SLMERLAEEY[Gly431=]ARVVRTLTVQ